The following is an entry in ClinVar:

NM_006901.4(MYO9A):c.5326C>T (p.Pro1776Ser)

Genes: MYO9A (myosin IXA; minus strand), LOC130057457 (ATAC-STARR-seq lymphoblastoid active region 9708; plus strand). Cytogenetic location: 15q23.
Variant type: single nucleotide variant.
Coding change: c.5326C>T on transcript NM_006901.4 (MANE Select); coding-DNA position 5326, C replaced by T.
Protein change: p.Pro1776Ser; replaces proline 1776 with serine.
Molecular consequence: missense variant.
Genome position (GRCh38, 1-based): chr15:71,883,666, G>A on the plus strand (C>T on the coding strand, the complement: MYO9A is on the minus strand). VCF-style: chr15-71883666-G-A. GRCh37 (hg19) VCF-style: chr15-72176007-G-A.
Other names: short protein forms P1776S.
Identifiers: ClinVar variation 4984098 (VCV004984098.1).

ClinVar aggregate classification (germline): Uncertain significance (1 of 4 stars; one submission).

Conditions:
MYO9A-related disorder. Also called: MYO9A-related condition.

Submission:

PreventionGenetics, part of Exact Sciences
Classification: Uncertain significance for MYO9A-related condition. Last evaluated: 2024-12-09. Review status: criteria provided, single submitter. Criteria: ACMG Guidelines, 2015. Collection method: clinical testing. Allele origin: germline.
Comment: The MYO9A c.5326C>T variant is predicted to result in the amino acid substitution p.Pro1776Ser. To our knowledge, this variant has not been reported in the literature or in a large population database (gnomAD), indicating this variant is rare. At this time, the clinical significance of this variant is uncertain due to the absence of conclusive functional and genetic evidence.